The following is an entry in ClinVar:

ClinVar aggregate classification (germline): Conflicting classifications of pathogenicity. Review status: criteria provided, conflicting classifications (1 of 4 stars). 14 submissions from 13 submitters: Uncertain significance (5); Benign (2); Likely benign (6). 1 of the submissions does not count toward it. Last evaluated 2026-05-07.

Conditions:
OPA1-related disorder. Also called: OPA1-related condition; OPA1-related disorders.
Optic atrophy. Identifiers: MedGen C0029124, MONDO:0003608, HP:0000648.
Progressive proximal muscle weakness. Identifiers: MedGen C1836156, HP:0009073.
Hypomimic face. Also called: Expressionless face. Identifiers: MedGen C0813217, HP:0000338.
Muscle weakness. Identifiers: MedGen C0151786, HP:0001324.
Elevated circulating creatine kinase activity. Also called: Elevated serum creatine phosphokinase; Elevated circulating creatine kinase concentration; Elevated creatine kinase. Identifiers: MedGen C0241005, HP:0003236.
Ptosis. Also called: Ptosis (disease). Identifiers: MedGen C0005745, MONDO:0000728, HP:0000508.
EMG: myotonic runs. Identifiers: MedGen C4025576, HP:0003730.
Hepatic steatosis. Also called: Fatty liver disease. Identifiers: MedGen C2711227, MONDO:0004790, HP:0001397.
EMG abnormality. Identifiers: MedGen C0476403, HP:0003457.
EMG: myopathic abnormalities. Identifiers: MedGen C4021726, HP:0003458.
Abortive cerebellar ataxia (BEHRS). Also called: Behr syndrome; OPTIC ATROPHY, INFANTILE HEREDITARY, WITH NEUROLOGIC ABNORMALITIES. Identifiers: Orphanet 1239, MedGen C0221061, MONDO:0008858, OMIM 210000.
Optic atrophy with or without deafness, ophthalmoplegia, myopathy, ataxia, and neuropathy. Also called: OPTIC ATROPHY PLUS SYNDROME. Identifiers: MedGen C3276549, MONDO:0007429, OMIM 125250.

Submissions (14):

PreventionGenetics, part of Exact Sciences
Classification: Likely benign for OPA1-related condition. Last evaluated: 2026-05-07. Review status: criteria provided, single submitter. Criteria: ACMG Guidelines, 2015. Collection method: clinical testing. Allele origin: germline.
Comment: This variant is classified as likely benign based on ACMG/AMP sequence variant interpretation guidelines (Richards et al. 2015 PMID: 25741868, with internal and published modifications).

CeGaT Center for Human Genetics Tuebingen
Classification: Likely benign. Last evaluated: 2026-02-01. Review status: criteria provided, single submitter. Criteria: CeGaT Center For Human Genetics Tuebingen Variant Classification Criteria Version 2. Collection method: clinical testing. Allele origin: germline. Affected: yes. Observed: 12 variant alleles.
Comment: OPA1: BS1

Labcorp Genetics (formerly Invitae), Labcorp
Classification: Likely benign. Last evaluated: 2026-01-17. Review status: criteria provided, single submitter. Criteria: Invitae Variant Classification Sherloc (09022015). Collection method: clinical testing. Allele origin: germline.

Blueprint Genetics
Classification: Likely benign. Last evaluated: 2024-11-20. Review status: criteria provided, single submitter. Criteria: ACMG Guidelines, 2015. Collection method: clinical testing. Allele origin: germline.

Mayo Clinic Laboratories, Mayo Clinic
Classification: Benign. Last evaluated: 2024-10-15. Review status: criteria provided, single submitter. Criteria: ACMG Guidelines, 2015. Collection method: clinical testing. Allele origin: germline. Observed: 16 variant alleles.
Comment: BS1, BS2, BS4, BP5

Women's Health and Genetics/Laboratory Corporation of America, LabCorp
Classification: Likely benign. Last evaluated: 2023-12-05. Review status: criteria provided, single submitter. Criteria: LabCorp Variant Classification Summary - May 2015. Collection method: clinical testing. Allele origin: germline.
Comment: Variant summary: OPA1 c.113_130del18 (p.Arg38_Ser43del) results in an in-frame deletion that is predicted to remove 6 amino acids from the encoded protein. The variant allele was found at a frequency of 0.0022 in 1613980 control chromosomes in the gnomAD database, including 10 homozygotes. The available data on variant occurrences in the general population are insufficient to allow any conclusion about variant significance, although are not suggestive of a variant associated with highly penetrant autosomal dominant or recessive disease. c.113_130del18 has been reported in the literature in individuals affected with OPA1-Related Disorders (e.g., Thiselton_2002, Milone_2009, Barboni_2013, vandeWarrenburg_2016, Tingaud-Sequeira_2017, Heighton_2019, Marcos_2020, Rots_2023), although the variant was also found in healthy homozygous and heterozygous controls (e.g., vandeWarrenburg_2016) and found not to segregate with disease in several families (e.g., Tingaud-Sequeira_2017, Marcos_2020). To our knowledge, no experimental evidence demonstrating an impact on protein function has been reported. The following publications have been ascertained in the context of this evaluation (PMID: 12036970, 19303950, 23388408, 27165006, 27890673, 31521625, 32420686, 37196654). Nine submitters have reported clinical-significance assessments for this variant to ClinVar after 2014. Multiple submitters reported the variant with conflicting assessments (benign/likely benign, n = 3; VUS, n = 6). Based on the evidence outlined above, the variant was classified as likely benign.

GeneDx
Classification: Likely benign. Last evaluated: 2021-01-21. Review status: criteria provided, single submitter. Criteria: GeneDx Variant Classification Process June 2021. Collection method: clinical testing. Allele origin: germline. Affected: yes.
Comment: This variant is associated with the following publications: (PMID: 22857269, 19303950, 12036970, 11810270, 27890673, 31521625, 20157015, 32420686, 31500643)

Athena Diagnostics
Classification: Benign. Last evaluated: 2017-07-17. Review status: criteria provided, single submitter. Criteria: Athena Diagnostics Criteria. Collection method: clinical testing. Allele origin: germline.

Geisinger Autism and Developmental Medicine Institute, Geisinger Health System
Classification: Uncertain significance for Optic atrophy with or without deafness, ophthalmoplegia, myopathy, ataxia, and neuropathy. Last evaluated: 2017-04-25. Review status: criteria provided, single submitter. Criteria: ACMG Guidelines, 2015. Collection method: clinical testing. Allele origin: paternal. Affected: yes. Observed: 1 variant allele.
Comment: This variant has been identified at an allele frequency of 0.22% in both ExAC overall and in European Americans in ESP; three homozygous individuals have been identified in these databases combined. However, this condition exhibits marked variable expressivity and incomplete penetrance, and compound heterozygous individuals have been reported with milder pathogenic variants. A previously reported patient (Milone, 2009) had a similar presentation to the patient observed in our clinic, but family segregation studies were not done in that case.

Center for Pediatric Genomic Medicine, Children's Mercy Hospital and Clinics
Classification: Uncertain significance. Last evaluated: 2017-04-04. Review status: criteria provided, single submitter. Criteria: ACMG Guidelines, 2015. Collection method: clinical testing. Allele origin: germline.

Eurofins Ntd Llc (ga)
Classification: Uncertain significance. Last evaluated: 2016-02-12. Review status: criteria provided, single submitter. Criteria: EGL Classification Definitions 2015. Collection method: clinical testing. Allele origin: germline. Observed: 4 variant alleles, 4 heterozygotes.

Centre for Mendelian Genomics, University Medical Centre Ljubljana
Classification: Uncertain significance for Abortive cerebellar ataxia. Last evaluated: 2016-01-01. Review status: criteria provided, single submitter. Criteria: ACMG Guidelines, 2015. Collection method: clinical testing. Allele origin: unknown. Affected: yes.
Comment: This variant was classified as: Uncertain significance. The following ACMG criteria were applied in classifying this variant: PM4.

Centre for Mendelian Genomics, University Medical Centre Ljubljana
Classification: Uncertain significance for EMG abnormality; EMG: myopathic abnormalities; EMG: myotonic runs; Elevated circulating creatine kinase activity; Hepatic steatosis; Hypomimic face; Muscle weakness; Progressive proximal muscle weakness; Ptosis. Last evaluated: 2015-04-06. Review status: criteria provided, single submitter. Criteria: ACMG Guidelines, 2015. Collection method: clinical testing. Allele origin: unknown. Affected: yes.

Institute of Human Genetics, Univ. Regensburg, Univ. Regensburg
Classification: Uncertain significance for Optic atrophy. Last evaluated: 2021-01-01. Review status: no assertion criteria provided. Criteria: ACMG Guidelines, 2015. Collection method: clinical testing. Allele origin: germline. Affected: yes. Not counted in ClinVar's aggregate classification.

Literature cited by the submitters: PubMed 27165006 (cited by Women's Health and Genetics/Laboratory Corporation of America, LabCorp); PubMed 32420686 (cited by Women's Health and Genetics/Laboratory Corporation of America, LabCorp); PubMed 31521625 (cited by Women's Health and Genetics/Laboratory Corporation of America, LabCorp); PubMed 23388408 (cited by Women's Health and Genetics/Laboratory Corporation of America, LabCorp); PubMed 19303950 (cited by 3 submitters); PubMed 37196654 (cited by Women's Health and Genetics/Laboratory Corporation of America, LabCorp); PubMed 12036970 (cited by Women's Health and Genetics/Laboratory Corporation of America, LabCorp); PubMed 27890673 (cited by Women's Health and Genetics/Laboratory Corporation of America, LabCorp and Athena Diagnostics); PubMed 20157015 (cited by Athena Diagnostics and Geisinger Autism and Developmental Medicine Institute, Geisinger Health System); PubMed 22857269 (cited by Athena Diagnostics).

NM_130837.3(OPA1):c.113_130del (p.Arg38_Ser43del)

Gene: OPA1 (OPA1 mitochondrial dynamin like GTPase; plus strand). Cytogenetic location: 3q29.
Variant type: Deletion.
Coding change: c.113_130del on transcript NM_130837.3 (MANE Select); coding-DNA positions 113 to 130, 18 bases deleted (GAAGCATTTATCATTCAC).
Protein change: p.Arg38_Ser43del.
Molecular consequence: inframe deletion. On other transcripts: 5 prime UTR variant (2).
Genome position (GRCh38, 1-based): chr3:193,614,803-193,614,820, GAAGCATTTATCATTCAC deleted; deleting any 18 consecutive bases within chr3:193,614,798-193,614,820 gives the same sequence; the c. name uses the placement nearest the transcript's 3' end. VCF-style (leftmost placement, unchanged base first): chr3-193614797-TTTCACGAAGCATTTATCA-T. GRCh37 (hg19) VCF-style: chr3-193332586-TTTCACGAAGCATTTATCA-T.
Other names: p.Arg38_Ser43del; c.113_130delGAAGCATTTATCATTCAC (NM_130837.2, NM_015560.2); c.-260_-243del (NM_001354663.2, NM_001354664.2); c.113_130del, p.Arg38_Ser43del (NM_015560.3, NM_130831.3, NM_130832.3 and 4 more transcripts); c.113_130del18 (NM_130837.2, NM_015560.3).
Identifiers: ClinVar variation 214916 (VCV000214916.66), dbSNP rs863224140, ClinGen allele CA090938.
Genomic context (GRCh38, chr3:193,614,797, plus strand): 5'-CTTTAGTGAAACACAGCTCTGGAATAAAAGGAAGTTTACCACTACAAAAACTACATCTGG[TTTCACGAAGCATTTATCA>T]TTCACATCATCCTACCTTAAAGCTTCAACGACCCCAATTAAGGACATCCTTTCAGCAGTT-3'